The following is an entry in ClinVar:

NM_005859.5(PURA):c.139G>C (p.Gly47Arg)

Gene: PURA (purine rich element binding protein A; plus strand). Cytogenetic location: 5q31.3.
Variant type: single nucleotide variant.
Coding change: c.139G>C on transcript NM_005859.5 (MANE Select); coding-DNA position 139, G replaced by C.
Protein change: p.Gly47Arg; replaces glycine 47 with arginine.
Molecular consequence: missense variant.
Genome position (GRCh38, 1-based): chr5:140,114,320, G>C. VCF-style: chr5-140114320-G-C. GRCh37 (hg19) VCF-style: chr5-139493905-G-C.
Other names: short protein forms G47R.
Identifiers: ClinVar variation 4709794 (VCV004709794.1).

ClinVar aggregate classification (germline): Uncertain significance (1 of 4 stars; one submission).

Conditions:
PURA-related severe neonatal hypotonia-seizures-encephalopathy syndrome (NEDRIHF). Also called: PURA-Related Neurodevelopmental Disorders; NEURODEVELOPMENTAL DISORDER WITH NEONATAL RESPIRATORY INSUFFICIENCY, HYPOTONIA, AND FEEDING DIFFICULTIES. Identifiers: Orphanet 438213, Orphanet 438216, MedGen C4015357, MONDO:1060108, OMIM 616158, MONDO:0018580.

Submission:

Labcorp Genetics (formerly Invitae), Labcorp
Classification: Uncertain significance for PURA-related severe neonatal hypotonia-seizures-encephalopathy syndrome. Last evaluated: 2025-10-29. Review status: criteria provided, single submitter. Criteria: Invitae Variant Classification Sherloc (09022015). Collection method: clinical testing. Allele origin: germline.
Comment: This sequence change replaces glycine, which is neutral and non-polar, with arginine, which is basic and polar, at codon 47 of the PURA protein (p.Gly47Arg). This variant is not present in population databases (gnomAD no frequency). This variant has not been reported in the literature in individuals affected with PURA-related conditions. Invitae Evidence Modeling of protein sequence and biophysical properties (such as structural, functional, and spatial information, amino acid conservation, physicochemical variation, residue mobility, and thermodynamic stability) indicates that this missense variant is not expected to disrupt PURA protein function with a negative predictive value of 95%. In summary, the available evidence is currently insufficient to determine the role of this variant in disease. Therefore, it has been classified as a Variant of Uncertain Significance.